The following is an entry in ClinVar:

ClinVar aggregate classification (germline): Pathogenic (1 of 4 stars; one submission).

Conditions:
Familial cancer of breast. Also called: hereditary breast carcinoma; Hereditary breast cancer; BREAST CANCER, FAMILIAL. Identifiers: Orphanet 227535, MedGen C0346153, MONDO:0016419, OMIM 114480. Disease mechanism: loss of function.

Submission:

Labcorp Genetics (formerly Invitae), Labcorp
Classification: Pathogenic for Familial cancer of breast. Last evaluated: 2025-03-12. Review status: criteria provided, single submitter. Criteria: Invitae Variant Classification Sherloc (09022015). Collection method: clinical testing. Allele origin: germline.
Comment: This sequence change creates a premature translational stop signal (p.Arg794_Gln795delinsSer*) in the PALB2 gene. It is expected to result in an absent or disrupted protein product. Loss-of-function variants in PALB2 are known to be pathogenic (PMID: 17200668, 17200671, 17200672, 24136930, 25099575). Information on the frequency of this variant in the gnomAD database is not available, as this variant may be reported differently in the database. This variant has not been reported in the literature in individuals affected with PALB2-related conditions. ClinVar contains an entry for this variant (Variation ID: 1074414). For these reasons, this variant has been classified as Pathogenic.

Literature cited by the submitters: PubMed 17200668; PubMed 17200671; PubMed 17200672; PubMed 24136930; PubMed 25099575.

NM_024675.4(PALB2):c.2382_2383delinsTT (p.Arg794_Gln795delinsSerTer)

Gene: PALB2 (partner and localizer of BRCA2; minus strand). Cytogenetic location: 16p12.2.
Variant type: Indel.
Coding change: c.2382_2383delinsTT on transcript NM_024675.4 (MANE Select); coding-DNA positions 2382 to 2383, GC replaced by TT.
Protein change: p.Arg794_Gln795delinsSerTer.
Molecular consequence: nonsense.
Genome position (GRCh38, 1-based): chr16:23,629,771-23,629,772, GC replaced by AA on the plus strand (GC replaced by TT on the coding strand, the reverse complement: PALB2 is on the minus strand). VCF-style: chr16-23629771-GC-AA. GRCh37 (hg19) VCF-style: chr16-23641092-GC-AA.
Identifiers: ClinVar variation 1074414 (VCV001074414.8), dbSNP rs2142374295, ClinGen allele CA2499223425.